The following is an entry in ClinVar:

ClinVar aggregate classification (germline): Likely benign (1 of 4 stars; one submission).

gnomAD v4.1: 6 of 1,613,636 alleles (0.00037%); highest among the groups gnomAD compares: African/African-American, 0.008%; no homozygotes.

Submission:

CeGaT Center for Human Genetics Tuebingen
Classification: Likely benign. Last evaluated: 2023-03-01. Review status: criteria provided, single submitter. Criteria: CeGaT Center For Human Genetics Tuebingen Variant Classification Criteria Version 2. Collection method: clinical testing. Allele origin: germline. Affected: yes. Observed: 1 variant allele.
Comment: SON: BP4

NM_138927.4(SON):c.4165G>A (p.Val1389Met)

Gene: SON (SON DNA and RNA binding protein; plus strand). Cytogenetic location: 21q22.11.
Variant type: single nucleotide variant.
Coding change: c.4165G>A on transcript NM_138927.4 (MANE Select); coding-DNA position 4165, G replaced by A.
Protein change: p.Val1389Met; replaces valine 1389 with methionine.
Molecular consequence: missense variant. On other transcripts: non-coding transcript variant (1), intron variant (1).
Genome position (GRCh38, 1-based): chr21:33,553,396, G>A. VCF-style: chr21-33553396-G-A. GRCh37 (hg19) VCF-style: chr21-34925702-G-A.
Other names: c.4165G>A, p.Val1389Met (NM_001291411.2, NM_001412133.1, NM_032195.3 and 2 more transcripts); c.245-3760G>A (NM_001291412.3); short protein forms V1389M.
Identifiers: ClinVar variation 2652616 (VCV002652616.24), dbSNP rs370767348, ClinGen allele CA10009472.